The following is an entry in ClinVar:

NM_018122.5(DARS2):c.955A>G (p.Met319Val)

Gene: DARS2 (aspartyl-tRNA synthetase 2, mitochondrial; plus strand). Cytogenetic location: 1q25.1.
Variant type: single nucleotide variant.
Coding change: c.955A>G on transcript NM_018122.5 (MANE Select); coding-DNA position 955, A replaced by G.
Protein change: p.Met319Val; replaces methionine 319 with valine.
Molecular consequence: missense variant.
Genome position (GRCh38, 1-based): chr1:173,839,481, A>G. VCF-style: chr1-173839481-A-G. GRCh37 (hg19) VCF-style: chr1-173808619-A-G.
Other names: c.955A>G, p.Met319Val (NM_001365212.1, NM_001365213.2); c.955A>G (NM_018122.4); short protein forms M319V.
Identifiers: ClinVar variation 2081537 (VCV002081537.5), dbSNP rs927679423, ClinGen allele CA32774464.
Genomic context (GRCh38, chr1:173,839,481, plus strand): 5'-GGTTTGCTCCAGTATTCCTGGCCCAATGACAAAGATCCTGTGGTTGTTCCTTTTCCTACT[A>G]TGACTTTTGCTGAGGTGCTGGCCACCTATGGAACTGATAAACCTGACACTCGCTTTGGAA-3'
Protein context (NP_060592.2, residues 309-329): KDPVVVPFPT[Met319Val]TFAEVLATYG

ClinVar aggregate classification (germline): Conflicting classifications of pathogenicity. Review status: criteria provided, conflicting classifications (1 of 4 stars). 2 submissions from 2 submitters: Uncertain significance (1); Likely benign (1). Last evaluated 2026-01-19.

Conditions:
Inborn genetic diseases. Identifiers: MedGen C0950123, MeSH D030342.

Allele frequency attached by ClinVar (database versions not stated): gnomAD exomes 0.00001; TOPMed 0.00003; gnomAD 0.00004.
gnomAD v4.1: 23 of 1,613,958 alleles (0.0014%); highest among the groups gnomAD compares: African/African-American, 0.008%; no homozygotes.

Submissions (2):

Labcorp Genetics (formerly Invitae), Labcorp
Classification: Uncertain significance. Last evaluated: 2026-01-19. Review status: criteria provided, single submitter. Criteria: Invitae Variant Classification Sherloc (09022015). Collection method: clinical testing. Allele origin: germline.
Comment: This sequence change replaces methionine, which is neutral and non-polar, with valine, which is neutral and non-polar, at codon 319 of the DARS2 protein (p.Met319Val). This variant is present in population databases (no rsID available, gnomAD 0.01%). This variant has not been reported in the literature in individuals affected with DARS2-related conditions. ClinVar contains an entry for this variant (Variation ID: 2081537). Invitae Evidence Modeling of protein sequence and biophysical properties (such as structural, functional, and spatial information, amino acid conservation, physicochemical variation, residue mobility, and thermodynamic stability) indicates that this missense variant is expected to disrupt DARS2 protein function with a positive predictive value of 80%. In summary, the available evidence is currently insufficient to determine the role of this variant in disease. Therefore, it has been classified as a Variant of Uncertain Significance.

Ambry Genetics
Classification: Likely benign for Inborn genetic diseases. Last evaluated: 2025-06-03. Review status: criteria provided, single submitter. Criteria: Ambry Variant Classification Scheme 2023. Collection method: clinical testing. Allele origin: germline.